The following is an entry in ClinVar:

NM_003673.4(TCAP):c.269C>A (p.Pro90Gln)

Gene: TCAP (titin-cap; plus strand). Cytogenetic location: 17q12.
Variant type: single nucleotide variant.
Coding change: c.269C>A on transcript NM_003673.4 (MANE Select); coding-DNA position 269, C replaced by A.
Protein change: p.Pro90Gln; replaces proline 90 with glutamine.
Molecular consequence: missense variant.
Genome position (GRCh38, 1-based): chr17:39,665,874, C>A. VCF-style: chr17-39665874-C-A. GRCh37 (hg19) VCF-style: chr17-37822127-C-A.
Other names: short protein forms P90Q.
Identifiers: ClinVar variation 1472034 (VCV001472034.8), dbSNP rs727504427, ClinGen allele CA399304716.

ClinVar aggregate classification (germline): Uncertain significance (1 of 4 stars; one submission).

Conditions:
Hypertrophic cardiomyopathy 25 (CMH25). Also called: CARDIOMYOPATHY, FAMILIAL HYPERTROPHIC, 25. Identifiers: MedGen C4225408, MONDO:0011843, OMIM 607487.
Primary familial hypertrophic cardiomyopathy (HCM). Identifiers: Orphanet 99739, MedGen C0949658, MeSH D024741, MONDO:0024573. Inheritance: Various modes of inheritance.

Submission:

Labcorp Genetics (formerly Invitae), Labcorp
Classification: Uncertain significance for Hypertrophic cardiomyopathy 25; Primary familial hypertrophic cardiomyopathy. Last evaluated: 2025-06-01. Review status: criteria provided, single submitter. Criteria: Invitae Variant Classification Sherloc (09022015). Collection method: clinical testing. Allele origin: germline.
Comment: This sequence change replaces proline, which is neutral and non-polar, with glutamine, which is neutral and polar, at codon 90 of the TCAP protein (p.Pro90Gln). This variant is not present in population databases (gnomAD no frequency). This variant has not been reported in the literature in individuals affected with TCAP-related conditions. ClinVar contains an entry for this variant (Variation ID: 1472034). An algorithm developed to predict the effect of missense changes on protein structure and function (PolyPhen-2) suggests that this variant is likely to be disruptive. In summary, the available evidence is currently insufficient to determine the role of this variant in disease. Therefore, it has been classified as a Variant of Uncertain Significance.